The following is an entry in ClinVar:

ClinVar aggregate classification (germline): Uncertain significance (1 of 4 stars; one submission).

Submission:

GeneDx
Classification: Uncertain significance. Last evaluated: 2025-04-04. Review status: criteria provided, single submitter. Criteria: GeneDx Variant Classification Process June 2021. Collection method: clinical testing. Allele origin: germline. Affected: yes.
Comment: Not observed at significant frequency in large population cohorts (gnomAD); In silico analysis supports that this missense variant has a deleterious effect on protein structure/function; Has not been previously published as pathogenic or benign to our knowledge

NM_001367873.1(SOX6):c.1597G>C (p.Gly533Arg)

Gene: SOX6 (SRY-box transcription factor 6; minus strand). Cytogenetic location: 11p15.2.
Variant type: single nucleotide variant.
Coding change: c.1597G>C on transcript NM_001367873.1 (MANE Select); coding-DNA position 1597, G replaced by C.
Protein change: p.Gly533Arg; replaces glycine 533 with arginine.
Molecular consequence: missense variant.
Genome position (GRCh38, 1-based): chr11:16,046,540, C>G on the plus strand (G>C on the coding strand, the complement: SOX6 is on the minus strand). VCF-style: chr11-16046540-C-G. GRCh37 (hg19) VCF-style: chr11-16068086-C-G.
Other names: c.1516G>C, p.Gly506Arg (NM_001145811.2, NM_017508.3); c.1597G>C, p.Gly533Arg (NM_001145819.2, NM_033326.3); c.1474G>C, p.Gly492Arg (NM_001367872.1); short protein forms G492R, G506R, G533R.
Identifiers: ClinVar variation 4278878 (VCV004278878.1).